The following is an entry in ClinVar:

ClinVar aggregate classification (germline): Benign (1 of 4 stars; one submission).

Allele frequency attached by ClinVar (database versions not stated): gnomAD 0.02076; TOPMed 0.02551; 1000 Genomes Project 30x 0.03404; 1000 Genomes Project 0.03514.
gnomAD v4.1: 6,486 of 485,294 alleles (1.3%); highest among the groups gnomAD compares: African/African-American, 6.8%; 210 homozygotes.

Submission:

GeneDx
Classification: Benign. Last evaluated: 2018-06-16. Review status: criteria provided, single submitter. Criteria: GeneDx Variant Classification (06012015). Collection method: clinical testing. Allele origin: germline. Affected: yes.
Comment: This variant is considered likely benign or benign based on one or more of the following criteria: it is a conservative change, it occurs at a poorly conserved position in the protein, it is predicted to be benign by multiple in silico algorithms, and/or has population frequency not consistent with disease.

NM_020442.6(VARS2):c.1074+235G>C

Gene: VARS2 (valyl-tRNA synthetase 2, mitochondrial; plus strand). Cytogenetic location: 6p21.33.
Variant type: single nucleotide variant.
Coding change: c.1074+235G>C on transcript NM_020442.6 (MANE Select); 235 bases into the intron after coding-DNA position 1074, G replaced by C.
Molecular consequence: intron variant.
Genome position (GRCh38, 1-based): chr6:30,919,150, G>C. VCF-style: chr6-30919150-G-C. GRCh37 (hg19) VCF-style: chr6-30886927-G-C.
Other names: c.1164+235G>C (NM_001167734.2); c.654+235G>C (NM_001167733.3).
Identifiers: ClinVar variation 673804 (VCV000673804.1), dbSNP rs11757745, ClinGen allele CA136807588.